The following is an entry in ClinVar:

ClinVar aggregate classification (germline): Likely pathogenic (1 of 4 stars; one submission).

Conditions:
Autosomal recessive limb-girdle muscular dystrophy type 2A (LGMDR1). Also called: LEYDEN-MOEBIUS MUSCULAR DYSTROPHY; MUSCULAR DYSTROPHY, PELVOFEMORAL; Muscular dystrophy, limb-girdle, type 2A, Amish; Limb-girdle muscular dystrophy, type 2A; Calpainopathy. Identifiers: Orphanet 267, MedGen C1869123, MONDO:0009675, OMIM 253600. Disease mechanism: loss of function.

Allele frequency attached by ClinVar (database versions not stated): gnomAD exomes below 0.00001; TOPMed 0.00002.
gnomAD v4.1: 1 of 1,614,072 alleles (0.000062%); highest among the groups gnomAD compares: East Asian, 0.0022%; no homozygotes.

Submission:

Labcorp Genetics (formerly Invitae), Labcorp
Classification: Likely pathogenic for Autosomal recessive limb-girdle muscular dystrophy type 2A. Last evaluated: 2023-05-19. Review status: criteria provided, single submitter. Criteria: Invitae Variant Classification Sherloc (09022015). Collection method: clinical testing. Allele origin: germline.
Comment: In summary, the currently available evidence indicates that the variant is pathogenic, but additional data are needed to prove that conclusively. Therefore, this variant has been classified as Likely Pathogenic. This sequence change falls in intron 12 of the CAPN3 gene. It does not directly change the encoded amino acid sequence of the CAPN3 protein. It affects a nucleotide within the consensus splice site. This variant is present in population databases (no rsID available, gnomAD 0.006%). This variant has been observed in individual(s) with autosomal recessive limb-girdle muscular dystrophy or clinical features of this condition (PMID: 34440373; Invitae). In at least one individual the data is consistent with being in trans (on the opposite chromosome) from a pathogenic variant. Variants that disrupt the consensus splice site are a relatively common cause of aberrant splicing (PMID: 17576681, 9536098). Algorithms developed to predict the effect of sequence changes on RNA splicing suggest that this variant may disrupt the consensus splice site.

Literature cited by the submitters: PubMed 34440373; PubMed 17576681; PubMed 9536098.

NM_000070.3(CAPN3):c.1536+3A>G

Gene: CAPN3 (calpain 3; plus strand). Cytogenetic location: 15q15.1.
Variant type: single nucleotide variant.
Coding change: c.1536+3A>G on transcript NM_000070.3 (MANE Select); 3 bases into the intron after coding-DNA position 1536, A replaced by G.
Molecular consequence: intron variant. On other transcripts: synonymous variant (1).
Genome position (GRCh38, 1-based): chr15:42,402,138, A>G. VCF-style: chr15-42402138-A-G. GRCh37 (hg19) VCF-style: chr15-42694336-A-G.
Other names: c.1278A>G, p.Val426= (NM_212464.2); c.1536+3A>G (NM_024344.2); c.1392+3A>G (NM_173087.2).
Identifiers: ClinVar variation 2910369 (VCV002910369.3), dbSNP rs939374091, ClinGen allele CA269844164.
Genomic context (GRCh38, chr15:42,402,138, plus strand): 5'-ATCCTCATTCACATCTGAAGCATCTTCCTTTCTGTTTCTTCTCAAGGTTCCCAAAGAGGT[A>G]TAGCAGCAGCAGCGGCCAGCAGTTGTGTGCAGCACTACCCAGGGGGCCCCGAGTCTGTCT-3'